The following is an entry in ClinVar:

NM_025103.4(IFT74):c.1529C>T (p.Thr510Ile)

Gene: IFT74 (intraflagellar transport 74; plus strand). Cytogenetic location: 9p21.2.
Variant type: single nucleotide variant.
Coding change: c.1529C>T on transcript NM_025103.4 (MANE Select); coding-DNA position 1529, C replaced by T.
Protein change: p.Thr510Ile; replaces threonine 510 with isoleucine.
Molecular consequence: missense variant.
Genome position (GRCh38, 1-based): chr9:27,056,365, C>T. VCF-style: chr9-27056365-C-T. GRCh37 (hg19) VCF-style: chr9-27056363-C-T.
Other names: c.1529C>T, p.Thr510Ile (NM_001099222.3, NM_001099223.3, NM_001349928.2); c.1529C>T (NM_025103.2); short protein forms T510I.
Identifiers: ClinVar variation 1946239 (VCV001946239.4), dbSNP rs758155349, ClinGen allele CA191356265.
Genomic context (GRCh38, chr9:27,056,365, plus strand): 5'-ACCTGTCACTTCTATTTGGATCTTTCTAGAAATTACATCAGGAGAGAATGATATTATCAA[C>T]CCACAGAAATGCCTTTAAGAAAATAATGGAGAAGCAAAACATAGAGTATGAGGCACTAAA-3'
Protein context (NP_079379.2, residues 500-520): KLHQERMILS[Thr510Ile]HRNAFKKIME

ClinVar aggregate classification (germline): Uncertain significance. Review status: criteria provided, multiple submitters, no conflicts (2 of 4 stars). 3 submissions from 3 submitters: Uncertain significance (2). 1 of the submissions does not count toward it. Last evaluated 2022-05-20.

Conditions:
Inborn genetic diseases. Identifiers: MedGen C0950123, MeSH D030342.
IFT74-related disorder. Also called: IFT74-related condition; IFT74-Related Disorders.

gnomAD v4.1: 16 of 1,590,318 alleles (0.001%); highest among the groups gnomAD compares: Non-Finnish European, 0.0014%; no homozygotes.

Submissions (3):

Labcorp Genetics (formerly Invitae), Labcorp
Classification: Uncertain significance. Last evaluated: 2022-05-20. Review status: criteria provided, single submitter. Criteria: Invitae Variant Classification Sherloc (09022015). Collection method: clinical testing. Allele origin: germline.
Comment: This sequence change replaces threonine, which is neutral and polar, with isoleucine, which is neutral and non-polar, at codon 510 of the IFT74 protein (p.Thr510Ile). This variant is present in population databases (no rsID available, gnomAD 0.0009%). This variant has not been reported in the literature in individuals affected with IFT74-related conditions. Algorithms developed to predict the effect of missense changes on protein structure and function (SIFT, PolyPhen-2, Align-GVGD) all suggest that this variant is likely to be tolerated. In summary, the available evidence is currently insufficient to determine the role of this variant in disease. Therefore, it has been classified as a Variant of Uncertain Significance.

Ambry Genetics
Classification: Uncertain significance for Inborn genetic diseases. Last evaluated: 2021-07-14. Review status: criteria provided, single submitter. Criteria: Ambry Variant Classification Scheme 2023. Collection method: clinical testing. Allele origin: germline.

PreventionGenetics, part of Exact Sciences
Classification: Uncertain significance for IFT74-related condition. Last evaluated: 2024-05-22. Review status: no assertion criteria provided. Collection method: clinical testing. Allele origin: germline. Not counted in ClinVar's aggregate classification.
Comment: The IFT74 c.1529C>T variant is predicted to result in the amino acid substitution p.Thr510Ile. To our knowledge, this variant has not been reported in the literature. This variant is reported in 0.0065% of alleles in individuals of European (Non-Finnish) descent in gnomAD. At this time, the clinical significance of this variant is uncertain due to the absence of conclusive functional and genetic evidence.